The following is an entry in ClinVar:

ClinVar aggregate classification (germline): Uncertain significance (1 of 4 stars; one submission).

Allele frequency attached by ClinVar (database versions not stated): gnomAD exomes below 0.00001; ExAC 0.00001; ESP Exome Variant Server 0.00008.
gnomAD v4.1: 1 of 1,613,588 alleles (0.000062%); highest among the groups gnomAD compares: Non-Finnish European, 0.000085%; no homozygotes.

Submission:

Labcorp Genetics (formerly Invitae), Labcorp
Classification: Uncertain significance. Last evaluated: 2022-10-04. Review status: criteria provided, single submitter. Criteria: Invitae Variant Classification Sherloc (09022015). Collection method: clinical testing. Allele origin: germline.
Comment: This variant is present in population databases (rs376122634, gnomAD 0.0009%). In summary, the available evidence is currently insufficient to determine the role of this variant in disease. Therefore, it has been classified as a Variant of Uncertain Significance. Algorithms developed to predict the effect of missense changes on protein structure and function are either unavailable or do not agree on the potential impact of this missense change (SIFT: "Deleterious"; PolyPhen-2: "Possibly Damaging"; Align-GVGD: "Class C0"). This variant has not been reported in the literature in individuals affected with KDM5A-related conditions. This sequence change replaces tyrosine, which is neutral and polar, with histidine, which is basic and polar, at codon 1353 of the KDM5A protein (p.Tyr1353His).

NM_001042603.3(KDM5A):c.4057T>C (p.Tyr1353His)

Genes: KDM5A (lysine demethylase 5A; minus strand), LOC126861410 (BRD4-independent group 4 enhancer GRCh37_chr12:415875-417074; plus strand). Cytogenetic location: 12p13.33.
Variant type: single nucleotide variant.
Coding change: c.4057T>C on transcript NM_001042603.3 (MANE Select); coding-DNA position 4057, T replaced by C.
Protein change: p.Tyr1353His; replaces tyrosine 1353 with histidine.
Molecular consequence: missense variant.
Genome position (GRCh38, 1-based): chr12:306,963, A>G on the plus strand (T>C on the coding strand, the complement: KDM5A is on the minus strand). VCF-style: chr12-306963-A-G. GRCh37 (hg19) VCF-style: chr12-416129-A-G.
Other names: short protein forms Y1353H.
Identifiers: ClinVar variation 1959898 (VCV001959898.5), dbSNP rs376122634, ClinGen allele CA6378663.